The following is an entry in ClinVar:

ClinVar aggregate classification (germline): Uncertain significance (1 of 4 stars; one submission).

Submission:

CeGaT Center for Human Genetics Tuebingen
Classification: Uncertain significance. Last evaluated: 2023-03-01. Review status: criteria provided, single submitter. Criteria: CeGaT Center For Human Genetics Tuebingen Variant Classification Criteria Version 2. Collection method: clinical testing. Allele origin: germline. Affected: yes. Observed: 1 variant allele.
Comment: NOTCH3: PM2, PP2, PP3

NM_000435.3(NOTCH3):c.4241G>A (p.Gly1414Asp)

Genes: NOTCH3 (notch receptor 3; minus strand), LOC130063807 (ATAC-STARR-seq lymphoblastoid silent region 10267; plus strand). Cytogenetic location: 19p13.12.
Variant type: single nucleotide variant.
Coding change: c.4241G>A on transcript NM_000435.3 (MANE Select); coding-DNA position 4241, G replaced by A.
Protein change: p.Gly1414Asp; replaces glycine 1414 with aspartic acid.
Molecular consequence: missense variant.
Genome position (GRCh38, 1-based): chr19:15,177,687, C>T on the plus strand (G>A on the coding strand, the complement: NOTCH3 is on the minus strand). VCF-style: chr19-15177687-C-T. GRCh37 (hg19) VCF-style: chr19-15288498-C-T.
Other names: short protein forms G1414D.
Identifiers: ClinVar variation 2649435 (VCV002649435.24), dbSNP rs2512637125, ClinGen allele CA404503976.